The following is an entry in ClinVar:

ClinVar aggregate classification (germline): Likely benign. Review status: criteria provided, single submitter (1 of 4 stars). 2 submissions from 2 submitters: Likely benign (1). 1 of the submissions does not count toward it. Last evaluated 2024-11-26.

Allele frequency attached by ClinVar (database versions not stated): ExAC 0.00309; gnomAD exomes 0.01786 and 0.02318; gnomAD 0.03817.
gnomAD v4.1: 27,812 of 1,400,992 alleles (2%); highest among the groups gnomAD compares: East Asian, 24%; 808 homozygotes.

Submissions (2):

Blueprint Genetics
Classification: Likely benign. Last evaluated: 2024-11-26. Review status: criteria provided, single submitter. Criteria: ACMG Guidelines, 2015. Collection method: clinical testing. Allele origin: germline.

Genetic Services Laboratory, University of Chicago
Classification: Likely benign for AllHighlyPenetrant. Review status: no assertion criteria provided. Collection method: clinical testing. Allele origin: germline. Inheritance: Autosomal dominant inheritance. Not counted in ClinVar's aggregate classification.
Comment: Likely benign based on allele frequency in 1000 Genomes Project or ESP global frequency and its presence in a patient with a rare or unrelated disease phenotype. NOT Sanger confirmed.

NM_001128164.2(ATXN1):c.639G>T (p.Gln213His)

Genes: ATXN1 (ataxin 1; minus strand), LOC108663993 (ataxin 1 repeat instability region; plus strand). Cytogenetic location: 6p22.3.
Variant type: single nucleotide variant.
Coding change: c.639G>T on transcript NM_001128164.2 (MANE Select); coding-DNA position 639, G replaced by T.
Protein change: p.Gln213His; replaces glutamine 213 with histidine.
Molecular consequence: missense variant. On other transcripts: 3 prime UTR variant (1).
Genome position (GRCh38, 1-based): chr6:16,327,672, C>A on the plus strand (G>T on the coding strand, the complement: ATXN1 is on the minus strand). VCF-style: chr6-16327672-C-A. GRCh37 (hg19) VCF-style: chr6-16327903-C-A.
Other names: c.639G>T, p.Gln213His (NM_000332.4); c.*52G>T (NM_001357857.2); short protein forms Q213H.
Identifiers: ClinVar variation 128502 (VCV000128502.8), dbSNP rs3817753, ClinGen allele CA151988.